The following is an entry in ClinVar:

ClinVar aggregate classification (germline): Uncertain significance. Review status: reviewed by expert panel (3 of 4 stars). 2 submissions from 2 submitters: Uncertain significance (1). 1 of the submissions does not count toward it. Last evaluated 2024-08-01.

Conditions:
Hereditary thrombocytopenia and hematological cancer predisposition syndrome associated with RUNX1. Also called: Familial Platelet Disorder with Propensity to Acute Myelogenous Leukemia; Familial thrombocytopenia with propensity to acute myelogenous leukemia; PLATELET DISORDER, ASPIRIN-LIKE; RUNX1 Familial Platelet Disorder with Associated Myeloid Malignancies. Identifiers: Orphanet 71290, MedGen C1832388, MeSH C563324, MONDO:0100083, OMIM 601399.
Hereditary thrombocytopenia and hematologic cancer predisposition syndrome. Identifiers: Orphanet 71290, MedGen CN281654, MONDO:0011071.

Submissions (2):

ClinGen Myeloid Malignancy Variant Curation Expert Panel
Classification: Uncertain significance for Hereditary thrombocytopenia and hematologic cancer predisposition syndrome. Last evaluated: 2024-08-01. Review status: reviewed by expert panel. Criteria: ClinGen MyeloMalig ACMG Specifications v2. Collection method: curation. Allele origin: germline. Inheritance: Autosomal dominant inheritance.
Comment: NM_001754.5(RUNX1):c.596G>C (p.Gly199Ala) is a missense variant which is completely absent from all population databases with at least 20x coverage for RUNX1 (PM2_Supporting). This missense variant is located within the Runt Homology Domain (AA 89-204), but does not occur in an established hotspot residue (PM1_Supporting). This variant has been reported in several patients with AML (PMID: 17485549; PMID: 21294243; PMID: 27288520; Ned Tijdschr Klin Chem Labgeneesk 2016, 41: 244-252) and in a patient with a diagnosis of sitosterolemia who had related lifelong macrothrombocytopenia (PMID: 28983057), but germline origin could not be confirmed for any of these individuals. However, another missense variant, c.596G>A/p.Gly199Glu (ClinVar Variation ID: 869210), in the same codon has been classified as likely pathogenic for autosomal dominant hereditary thrombocytopenia and hematologic cancer predisposition syndrome by the ClinGen Myeloid Malignancy VCEP (PM5_Supporting). The computational predictor REVEL gives a score of 0.934, which is above the threshold of 0.88, and the splice site predictor SpliceAI indicated that the variant has no impact on splicing, evidence that does predict a damaging effect on RUNX1 function (PP3). In summary, this variant meets the criteria to be classified as a VUS for autosomal dominant hereditary thrombocytopenia and hematologic cancer predisposition syndrome based on the ACMG/AMP criteria applied, as specified by the ClinGen Myeloid Malignancy VCEP: PM1_Supporting, PM2_Supporting, PM5_Supporting, PP3.

Labcorp Genetics (formerly Invitae), Labcorp
Classification: Uncertain significance for Hereditary thrombocytopenia and hematological cancer predisposition syndrome associated with RUNX1. Last evaluated: 2022-09-06. Review status: criteria provided, single submitter. Criteria: Invitae Variant Classification Sherloc (09022015). Collection method: clinical testing. Allele origin: germline. Not counted in ClinVar's aggregate classification.
Comment: This variant is not present in population databases (gnomAD no frequency). This sequence change replaces glycine, which is neutral and non-polar, with alanine, which is neutral and non-polar, at codon 199 of the RUNX1 protein (p.Gly199Ala). This variant has not been reported in the literature in individuals affected with RUNX1-related conditions. Algorithms developed to predict the effect of missense changes on protein structure and function are either unavailable or do not agree on the potential impact of this missense change (SIFT: "Deleterious"; PolyPhen-2: "Benign"; Align-GVGD: "Class C0"). In summary, the available evidence is currently insufficient to determine the role of this variant in disease. Therefore, it has been classified as a Variant of Uncertain Significance. This variant disrupts the p.Gly199 amino acid residue in RUNX1. Other variant(s) that disrupt this residue have been determined to be pathogenic (PMID: 24732596, 25159113, 32208489). This suggests that this residue is clinically significant, and that variants that disrupt this residue are likely to be disease-causing.

Literature cited by the submitters: PubMed 24732596 (cited by Labcorp Genetics (formerly Invitae), Labcorp); PubMed 25159113 (cited by Labcorp Genetics (formerly Invitae), Labcorp); PubMed 32208489 (cited by Labcorp Genetics (formerly Invitae), Labcorp).

NM_001754.5(RUNX1):c.596G>C (p.Gly199Ala)

Genes: RUNX1 (RUNX family transcription factor 1; minus strand), RUNX1-AS1 (RUNX1 antisense RNA 1; plus strand). Cytogenetic location: 21q22.12.
Variant type: single nucleotide variant.
Coding change: c.596G>C on transcript NM_001754.5 (MANE Select); coding-DNA position 596, G replaced by C.
Protein change: p.Gly199Ala; replaces glycine 199 with alanine.
Molecular consequence: missense variant.
Genome position (GRCh38, 1-based): chr21:34,859,491, C>G on the plus strand (G>C on the coding strand, the complement: RUNX1 is on the minus strand). VCF-style: chr21-34859491-C-G. GRCh37 (hg19) VCF-style: chr21-36231788-C-G.
Other names: NM_001754.5(RUNX1):c.596G>C; p.Gly199Ala; c.515G>C, p.Gly172Ala (NM_001001890.3, NM_001122607.2); short protein forms G172A, G199A.
Identifiers: ClinVar variation 2029256 (VCV002029256.5), dbSNP rs2057541040, ClinGen allele CA410207965.
Genomic context (GRCh38, chr21:34,859,491, plus strand): 5'-TACCAGCCTGGAGGGTGTACCAGCCCCAAGTGGATGCACTTACTTCGAGGTTCTCGGGGC[C>G]CATCCACTGTGATTTTGATGGCTCTGTGGTAGGTGGCGACTTGCGGTGGGTTTGTGAAGA-3'
Protein context (NP_001745.2, residues 189-209): YHRAIKITVD[Gly199Ala]PREPRRHRQK